The following is an entry in ClinVar:

NM_052947.4(ALPK2):c.3352G>C (p.Asp1118His)

Gene: ALPK2 (alpha kinase 2; minus strand). Cytogenetic location: 18q21.31.
Variant type: single nucleotide variant.
Coding change: c.3352G>C on transcript NM_052947.4 (MANE Select); coding-DNA position 3352, G replaced by C.
Protein change: p.Asp1118His; replaces aspartic acid 1118 with histidine.
Molecular consequence: missense variant.
Genome position (GRCh38, 1-based): chr18:58,536,835, C>G on the plus strand (G>C on the coding strand, the complement: ALPK2 is on the minus strand). VCF-style: chr18-58536835-C-G. GRCh37 (hg19) VCF-style: chr18-56204067-C-G.
Other names: short protein forms D1118H.
Identifiers: ClinVar variation 3531048 (VCV003531048.1).
Genomic context (GRCh38, chr18:58,536,835, plus strand): 5'-GGACCCCCTGCTTTGTTTCACTTCCTCTTTCTTGGAAATTCTCTTCATAGCTCCTAAAGT[C>G]TGCTCTGTCCACAGTCTGGCTCTTATCTCCAGACAGGTTATCAACCTGAAGAGGGGAATT-3'
Protein context (NP_443179.3, residues 1108-1128): GDKSQTVDRA[Asp1118His]FRSYEENFQE

ClinVar aggregate classification (germline): Uncertain significance (1 of 4 stars; one submission).

Submission:

Ambry Genetics
Classification: Uncertain significance. Last evaluated: 2024-08-05. Review status: criteria provided, single submitter. Criteria: Ambry Variant Classification Scheme 2023. Collection method: clinical testing. Allele origin: germline.
Comment: The p.D1118H variant (also known as c.3352G>C), located in coding exon 4 of the ALPK2 gene, results from a G to C substitution at nucleotide position 3352. The aspartic acid at codon 1118 is replaced by histidine, an amino acid with similar properties. This amino acid position is conserved. In addition, this alteration is predicted to be tolerated by in silico analysis. Based on the available evidence, the clinical significance of this variant remains unclear.